The following is an entry in ClinVar:

ClinVar aggregate classification (germline): Pathogenic. Review status: criteria provided, multiple submitters, no conflicts (2 of 4 stars). 3 submissions from 3 submitters: Pathogenic (3). Last evaluated 2025-10-29.
ClinVar aggregate classification (somatic clinical impact): Tier II - Potential (1 of 4 stars; one submission).

Conditions:
Inborn genetic diseases. Identifiers: MedGen C0950123, MeSH D030342.
Noonan syndrome (NS). Also called: Noonan's syndrome. Identifiers: Orphanet 648, MedGen C0028326, MeSH D009634, MONDO:0018997. Disease mechanism: gain of function.
Germinoma. Also called: Germinoma (disease). Identifiers: MedGen C0206660, MONDO:0002598, HP:0100620.

Allele frequency attached by ClinVar (database versions not stated): gnomAD exomes below 0.00001.
gnomAD v4.1: 1 of 1,490,360 alleles (0.000067%); highest among the groups gnomAD compares: South Asian, 0.0012%; no homozygotes.

Submissions (4):

GeneDx
Classification: Pathogenic. Last evaluated: 2025-10-29. Review status: criteria provided, single submitter. Criteria: GeneDx Variant Classification Process June 2021. Collection method: clinical testing. Allele origin: germline. Affected: yes.
Comment: Published functional studies demonstrate a damaging effect (PMID: 21820331, 38601074); Not observed at significant frequency in large population cohorts (gnomAD); In silico analysis supports that this missense variant has a deleterious effect on protein structure/function; This variant is associated with the following publications: (PMID: 31130282, 38601074, 21820331)

Ambry Genetics
Classification: Pathogenic for Inborn genetic diseases. Last evaluated: 2025-03-17. Review status: criteria provided, single submitter. Criteria: Ambry Variant Classification Scheme 2023. Collection method: clinical testing. Allele origin: germline.
Comment: The c.68G>T (p.G23V) alteration is located in exon 1 (coding exon 1) of the RRAS2 gene. This alteration results from a G to T substitution at nucleotide position 68, causing the glycine (G) at amino acid position 23 to be replaced by a valine (V). This variant was not reported in population-based cohorts in the Genome Aggregation Database (gnomAD). This variant was reported in individuals with features consistent with RRAS2-related RASopathy; in at least one individual, it was determined to be de novo (Capri, 2019; Iida, 2024). This amino acid position is conserved on limited species alignment. In vitro and in vivo functional analyses demonstrated the variant to be a gain-of-function variant that activated the RAS signaling pathway (Iida, 2024). The in silico prediction for this alteration is inconclusive. Based on the available evidence, this alteration is classified as pathogenic.

Institute for Genomic Medicine (IGM) Clinical Laboratory, Nationwide Children's Hospital
Classification: Tier II - Potential for Germinoma. Assertion type: diagnostic. Clinical significance: supports diagnosis. Last evaluated: 2023-05-08. Review status: criteria provided, single submitter. Criteria: AMP/ASCO/CAP Guidelines, 2017. Collection method: clinical testing. Allele origin: somatic. Affected: yes.
Comment: Variant has Tier II (potential) clinical significance as a diagnostic inclusion criterion in germinoma, based on the following evidence: 1) Documented in one or more cancer databases (e.g., St. Jude Pecan, COSMIC, CIViC, OncoKB). 2) Information in the literature supports potential biologic effect of variant (PMID: 24826867). 3) Diagnostic significance based on multiple small studies (Evidence Level C; PMIDs: 27391150, 24148564, 32721511, 28078450).

Tartaglia Lab, Genetics and Rare Diseases Research Division, Bambino Gesu' Children's Hospital
Classification: Pathogenic for Noonan Syndrome. Last evaluated: 2019-04-01. Review status: criteria provided, single submitter. Criteria: ACMG Guidelines, 2015. Collection method: research. Allele origin: de novo. Affected: yes.
Comment: this is a pathogenic variant associated with Noonan Syndrome

Literature cited by the submitters: PubMed 31130282 (cited by Ambry Genetics); PubMed 38601074 (cited by Ambry Genetics); PubMed 24826867 (cited by Institute for Genomic Medicine (IGM) Clinical Laboratory, Nationwide Children's Hospital); PubMed 27391150 (cited by Institute for Genomic Medicine (IGM) Clinical Laboratory, Nationwide Children's Hospital); PubMed 24148564 (cited by Institute for Genomic Medicine (IGM) Clinical Laboratory, Nationwide Children's Hospital); PubMed 32721511 (cited by Institute for Genomic Medicine (IGM) Clinical Laboratory, Nationwide Children's Hospital); PubMed 28078450 (cited by Institute for Genomic Medicine (IGM) Clinical Laboratory, Nationwide Children's Hospital).

NM_012250.6(RRAS2):c.68G>T (p.Gly23Val)

Genes: RRAS2 (RAS related 2; minus strand), LOC130005368 (ATAC-STARR-seq lymphoblastoid silent region 3172; plus strand). Cytogenetic location: 11p15.2.
Variant type: single nucleotide variant.
Coding change: c.68G>T on transcript NM_012250.6 (MANE Select); coding-DNA position 68, G replaced by T.
Protein change: p.Gly23Val; replaces glycine 23 with valine.
Molecular consequence: missense variant. On other transcripts: intron variant (1).
Genome position (GRCh38, 1-based): chr11:14,358,803, C>A on the plus strand (G>T on the coding strand, the complement: RRAS2 is on the minus strand). VCF-style: chr11-14358803-C-A. GRCh37 (hg19) VCF-style: chr11-14380349-C-A.
Other names: c.3+5588G>T (NM_001177314.2); short protein forms G23V.
Identifiers: ClinVar variation 626911 (VCV000626911.6), dbSNP rs1591495779, ClinGen allele CA379862795.